The following is an entry in ClinVar:

NM_032608.7(MYO18B):c.529C>G (p.Pro177Ala)

Gene: MYO18B (myosin XVIIIB; plus strand). Cytogenetic location: 22q12.1.
Variant type: single nucleotide variant.
Coding change: c.529C>G on transcript NM_032608.7 (MANE Select); coding-DNA position 529, C replaced by G.
Protein change: p.Pro177Ala; replaces proline 177 with alanine.
Molecular consequence: missense variant.
Genome position (GRCh38, 1-based): chr22:25,768,445, C>G. VCF-style: chr22-25768445-C-G. GRCh37 (hg19) VCF-style: chr22-26164412-C-G.
Other names: c.529C>G, p.Pro177Ala (NM_001318245.2); c.529C>G (NM_032608.5); short protein forms P177A.
Identifiers: ClinVar variation 1346256 (VCV001346256.7), dbSNP rs374203426, ClinGen allele CA10159621.

ClinVar aggregate classification (germline): Conflicting classifications of pathogenicity. Review status: criteria provided, conflicting classifications (1 of 4 stars). 2 submissions from 2 submitters: Uncertain significance (1); Likely benign (1). Last evaluated 2024-09-11.

Conditions:
Inborn genetic diseases. Identifiers: MedGen C0950123, MeSH D030342.

gnomAD v4.1: 27 of 1,333,614 alleles (0.002%); highest among the groups gnomAD compares: Admixed American, 0.01%; no homozygotes.

Submissions (2):

Ambry Genetics
Classification: Likely benign for Inborn genetic diseases. Last evaluated: 2024-09-11. Review status: criteria provided, single submitter. Criteria: Ambry Variant Classification Scheme 2023. Collection method: clinical testing. Allele origin: germline.

Labcorp Genetics (formerly Invitae), Labcorp
Classification: Uncertain significance. Last evaluated: 2024-01-29. Review status: criteria provided, single submitter. Criteria: Invitae Variant Classification Sherloc (09022015). Collection method: clinical testing. Allele origin: germline.
Comment: This sequence change replaces proline, which is neutral and non-polar, with alanine, which is neutral and non-polar, at codon 177 of the MYO18B protein (p.Pro177Ala). This variant is present in population databases (rs374203426, gnomAD 0.009%). This variant has not been reported in the literature in individuals affected with MYO18B-related conditions. ClinVar contains an entry for this variant (Variation ID: 1346256). Algorithms developed to predict the effect of missense changes on protein structure and function output the following: SIFT: "Not Available"; PolyPhen-2: "Benign"; Align-GVGD: "Not Available". The alanine amino acid residue is found in multiple mammalian species, which suggests that this missense change does not adversely affect protein function. In summary, the available evidence is currently insufficient to determine the role of this variant in disease. Therefore, it has been classified as a Variant of Uncertain Significance.